The following is an entry in ClinVar:

NM_000020.3(ACVRL1):c.61+1G>A

Gene: ACVRL1 (activin A receptor like type 1; plus strand). Cytogenetic location: 12q13.13.
Variant type: single nucleotide variant.
Coding change: c.61+1G>A on transcript NM_000020.3 (MANE Select); the canonical splice donor site of the intron after coding-DNA position 61, G replaced by A.
Molecular consequence: splice donor variant.
Genome position (GRCh38, 1-based): chr12:51,912,536, G>A. VCF-style: chr12-51912536-G-A. GRCh37 (hg19) VCF-style: chr12-52306320-G-A.
Other names: c.61+1G>A (NM_001406487.1, NM_001406491.1, NM_001406488.1 and 7 more transcripts).
Identifiers: ClinVar variation 1962398 (VCV001962398.7), dbSNP rs763785885, ClinGen allele CA6572789.

ClinVar aggregate classification (germline): Likely pathogenic. Review status: criteria provided, multiple submitters, no conflicts (2 of 4 stars). 2 submissions from 2 submitters: Likely pathogenic (2). Last evaluated 2026-01-18.

Conditions:
Telangiectasia, hereditary hemorrhagic, type 2 (HHT2). Also called: Telangiectasia, hereditary hemorrhagic, type II; ACVRL1-Related Hereditary Hemorrhagic Telangiectasia. Identifiers: Orphanet 774, MedGen C1838163, MONDO:0010880, OMIM 600376. Disease mechanism: loss of function.

Allele frequency attached by ClinVar (database versions not stated): TOPMed below 0.00001; ExAC 0.00001; gnomAD exomes 0.00001.
gnomAD v4.1: 4 of 1,611,092 alleles (0.00025%); highest among the groups gnomAD compares: Non-Finnish European, 0.00034%; no homozygotes.

Submissions (3):

Labcorp Genetics (formerly Invitae), Labcorp
Classification: Likely pathogenic for Telangiectasia, hereditary hemorrhagic, type 2. Last evaluated: 2026-01-18. Review status: criteria provided, single submitter. Criteria: Invitae Variant Classification Sherloc (09022015). Collection method: clinical testing. Allele origin: germline.
Comment: This sequence change affects a donor splice site in intron 2 of the ACVRL1 gene. It is expected to disrupt RNA splicing. Variants that disrupt the donor or acceptor splice site typically lead to a loss of protein function (PMID: 16199547), and loss-of-function variants in ACVRL1 are known to be pathogenic (PMID: 15879500). This variant is not present in population databases (gnomAD no frequency). Disruption of this splice site has been observed in individual(s) with hereditary hemorrhagic telangiectasia (PMID: 32503579). ClinVar contains an entry for this variant (Variation ID: 1962398). Algorithms developed to predict the effect of sequence changes on RNA splicing suggest that this variant may disrupt the consensus splice site. In summary, the currently available evidence indicates that the variant is pathogenic, but additional data are needed to prove that conclusively. Therefore, this variant has been classified as Likely Pathogenic.

Fulgent Genetics
Classification: Likely pathogenic for Telangiectasia, hereditary hemorrhagic, type 2. Last evaluated: 2024-06-13. Review status: criteria provided, single submitter. Criteria: ACMG Guidelines, 2015. Collection method: clinical testing. Allele origin: germline.

Dr. Peter K. Rogan Lab, Western University
No classification provided (evidence only). Condition: Clear cell carcinoma of kidney. Review status: no classification provided. Collection method: in vitro. Allele origin: not applicable. Functional consequence: retained intron. Not counted in ClinVar's aggregate classification.

Literature cited by the submitters: PubMed 16199547 (cited by Labcorp Genetics (formerly Invitae), Labcorp); PubMed 15879500 (cited by Labcorp Genetics (formerly Invitae), Labcorp); PubMed 32503579 (cited by Labcorp Genetics (formerly Invitae), Labcorp).